The following is an entry in ClinVar:

ClinVar aggregate classification (germline): Uncertain significance (1 of 4 stars; one submission).

Conditions:
Hereditary cancer-predisposing syndrome. Also called: Neoplastic Syndromes, Hereditary; Tumor predisposition; Hereditary neoplastic syndrome; Hereditary Cancer Syndrome. Identifiers: Orphanet 140162, MedGen C0027672, MeSH D009386, MONDO:0015356.
Cardiovascular phenotype. Identifiers: MedGen CN230736.

Submission:

Ambry Genetics
Classification: Uncertain significance for Cardiovascular phenotype; Hereditary cancer-predisposing syndrome. Last evaluated: 2023-12-18. Review status: criteria provided, single submitter. Criteria: Ambry Variant Classification Scheme 2023. Collection method: clinical testing. Allele origin: germline.
Comment: The p.E660V variant (also known as c.1979A>T), located in coding exon 17 of the LZTR1 gene, results from an A to T substitution at nucleotide position 1979. The glutamic acid at codon 660 is replaced by valine, an amino acid with dissimilar properties. This amino acid position is conserved. In addition, the in silico prediction for this alteration is inconclusive. Since supporting evidence is limited at this time, the clinical significance of this alteration remains unclear.

NM_006767.4(LZTR1):c.1979A>T (p.Glu660Val)

Gene: LZTR1 (leucine zipper like post translational regulator 1; plus strand). Cytogenetic location: 22q11.21.
Variant type: single nucleotide variant.
Coding change: c.1979A>T on transcript NM_006767.4 (MANE Select); coding-DNA position 1979, A replaced by T.
Protein change: p.Glu660Val; replaces glutamic acid 660 with valine.
Molecular consequence: missense variant.
Genome position (GRCh38, 1-based): chr22:20,995,782, A>T. VCF-style: chr22-20995782-A-T. GRCh37 (hg19) VCF-style: chr22-21350071-A-T.
Other names: short protein forms E660V.
Identifiers: ClinVar variation 3238183 (VCV003238183.1), dbSNP rs2518623829.